The following is an entry in ClinVar:

NM_001035.3(RYR2):c.8554T>C (p.Trp2852Arg)

Gene: RYR2 (ryanodine receptor 2; plus strand). Cytogenetic location: 1q43.
Variant type: single nucleotide variant.
Coding change: c.8554T>C on transcript NM_001035.3 (MANE Select); coding-DNA position 8554, T replaced by C.
Protein change: p.Trp2852Arg; replaces tryptophan 2852 with arginine.
Molecular consequence: missense variant.
Genome position (GRCh38, 1-based): chr1:237,667,922, T>C. VCF-style: chr1-237667922-T-C. GRCh37 (hg19) VCF-style: chr1-237831222-T-C.
Other names: short protein forms W2852R.
Identifiers: ClinVar variation 2888806 (VCV002888806.4), dbSNP rs2547168576, ClinGen allele CA345402512.

ClinVar aggregate classification (germline): Uncertain significance. Review status: criteria provided, multiple submitters, no conflicts (2 of 4 stars). 2 submissions from 2 submitters: Uncertain significance (2). Last evaluated 2025-06-30.

Conditions:
Cardiomyopathy (CMYO). Also called: Cardiomyopathies. Identifiers: Orphanet 167848, MedGen C0878544, MONDO:0004994, HP:0001638. Inheritance: Various modes of inheritance.
Catecholaminergic polymorphic ventricular tachycardia 1. Also called: RYR2-Related Catecholaminergic Polymorphic Ventricular Tachycardia; VENTRICULAR TACHYCARDIA, CATECHOLAMINERGIC POLYMORPHIC, 1, WITH OR WITHOUT ATRIAL DYSFUNCTION AND/OR DILATED CARDIOMYOPATHY; VENTRICULAR TACHYCARDIA, STRESS-INDUCED POLYMORPHIC 1. Identifiers: Orphanet 3286, MedGen C1631597, MONDO:0011484, OMIM 604772.

Submissions (2):

Color Diagnostics, LLC DBA Color Health
Classification: Uncertain significance for Cardiomyopathy. Last evaluated: 2025-06-30. Review status: criteria provided, single submitter. Criteria: ACMG Guidelines, 2015. Collection method: clinical testing. Allele origin: germline.
Comment: This missense variant replaces tryptophan with arginine at codon 2852 of the RYR2 protein. Computational prediction suggests that this variant may have deleterious impact on protein structure and function. To our knowledge, functional studies have not been reported for this variant. This variant has not been reported in individuals affected with RYR2-related disorders in the literature. This variant has not been identified in the general population by the Genome Aggregation Database (gnomAD). The available evidence is insufficient to determine the role of this variant in disease conclusively. Therefore, this variant is classified as a Variant of Uncertain Significance.

Labcorp Genetics (formerly Invitae), Labcorp
Classification: Uncertain significance for Catecholaminergic polymorphic ventricular tachycardia 1. Last evaluated: 2023-11-19. Review status: criteria provided, single submitter. Criteria: Invitae Variant Classification Sherloc (09022015). Collection method: clinical testing. Allele origin: germline.
Comment: This sequence change replaces tryptophan, which is neutral and slightly polar, with arginine, which is basic and polar, at codon 2852 of the RYR2 protein (p.Trp2852Arg). This variant is not present in population databases (gnomAD no frequency). This variant has not been reported in the literature in individuals affected with RYR2-related conditions. Advanced modeling of protein sequence and biophysical properties (such as structural, functional, and spatial information, amino acid conservation, physicochemical variation, residue mobility, and thermodynamic stability) performed at Invitae indicates that this missense variant is expected to disrupt RYR2 protein function with a positive predictive value of 95%. In summary, the available evidence is currently insufficient to determine the role of this variant in disease. Therefore, it has been classified as a Variant of Uncertain Significance.